The following is an entry in ClinVar:

ClinVar aggregate classification (germline): Pathogenic (1 of 4 stars; one submission).

Conditions:
Genitopatellar syndrome (GTPTS). Also called: Genitopatellar syndrome (GPS); ABSENT PATELLAE, SCROTAL HYPOPLASIA, RENAL ANOMALIES, FACIAL DYSMORPHISM, AND MENTAL RETARDATION. Identifiers: Orphanet 85201, MedGen C1853566, MONDO:0011640, OMIM 606170.

Submission:

Labcorp Genetics (formerly Invitae), Labcorp
Classification: Pathogenic for Genitopatellar syndrome. Last evaluated: 2022-08-26. Review status: criteria provided, single submitter. Criteria: Invitae Variant Classification Sherloc (09022015). Collection method: clinical testing. Allele origin: germline.
Comment: Isolated whole-gene deletions of KAT6B have not been reported in the literature. However, larger copy number events that include this gene have been reported (PMID: 25424711, 27880066). A gross deletion of the genomic region encompassing the full coding sequence of the KAT6B gene has been identified. Loss-of-function variants in KAT6B are known to be pathogenic (PMID: 22077973, 23436491, 25424711). The boundaries of this event are unknown as they extend beyond the assayed region for this gene and therefore may encompass additional genes. For these reasons, this variant has been classified as Pathogenic.

Literature cited by the submitters: PubMed 25424711; PubMed 27880066; PubMed 22077973; PubMed 23436491.

NC_000010.10:g.(?_76349020)_(78317046_?)del

Genes: ADK (adenosine kinase; plus strand), COMTD1 (catechol-O-methyltransferase domain containing 1; minus strand), DUSP13B (dual specificity phosphatase 13B; minus strand), DUSP29 (dual specificity phosphatase 29; minus strand), KAT6B (lysine acetyltransferase 6B; plus strand) and 4 more. Cytogenetic location: 10q22.2-22.3.
Variant type: Deletion.
Identifiers: ClinVar variation 2425795 (VCV002425795.5).